The following is an entry in ClinVar:

NM_000548.5(TSC2):c.514T>G (p.Leu172Val)

Gene: TSC2 (TSC complex subunit 2; plus strand). Cytogenetic location: 16p13.3.
Variant type: single nucleotide variant.
Coding change: c.514T>G on transcript NM_000548.5 (MANE Select); coding-DNA position 514, T replaced by G.
Protein change: p.Leu172Val; replaces leucine 172 with valine.
Molecular consequence: missense variant. On other transcripts: 5 prime UTR variant (13), non-coding transcript variant (5), intron variant (6).
Genome position (GRCh38, 1-based): chr16:2,055,434, T>G. VCF-style: chr16-2055434-T-G. GRCh37 (hg19) VCF-style: chr16-2105435-T-G.
Other names: c.514T>G, p.Leu172Val (NM_001077183.3, NM_001114382.3, NM_001363528.2 and 8 more transcripts); c.403T>G, p.Leu135Val (NM_001318827.2, NM_001406670.1, NM_001406678.1); c.367T>G, p.Leu123Val (NM_001318829.2, NM_001406675.1, NM_001406676.1 and 1 more transcripts); c.547T>G, p.Leu183Val (NM_001318832.2); c.604T>G, p.Leu202Val (NM_001406667.1, NM_001406668.1); c.457T>G, p.Leu153Val (NM_001406677.1); c.-303T>G (NM_001406680.1, NM_001406683.1, NM_001406687.1); c.52T>G, p.Leu18Val (NM_001406681.1); and 6 more; short protein forms L135V, L172V, L202V, L18V, L153V, L183V, L123V.
Identifiers: ClinVar variation 2564659 (VCV002564659.2), dbSNP rs2548433945, ClinGen allele CA394309252.
Genomic context (GRCh38, chr16:2,055,434, plus strand): 5'-TCGCAAACTGCCGCCGCTTCTCCCCCAGCTGACTTTGTCCTGCAGTGGATGGATGTTGGC[T>G]TGTCCTCGGAATTCCTTCTGGTGCTGGTGAACTTGGTCAAATTCAATAGCTGTTACCTCG-3'
Protein context (NP_000539.2, residues 162-182): DFVLQWMDVG[Leu172Val]SSEFLLVLVN

ClinVar aggregate classification (germline): Uncertain significance (1 of 4 stars; one submission).

Conditions:
Hereditary cancer-predisposing syndrome. Also called: Neoplastic Syndromes, Hereditary; Hereditary Cancer Syndrome; Hereditary neoplastic syndrome; Tumor predisposition. Identifiers: Orphanet 140162, MedGen C0027672, MeSH D009386, MONDO:0015356.

Submission:

Ambry Genetics
Classification: Uncertain significance for Hereditary cancer-predisposing syndrome. Last evaluated: 2023-04-18. Review status: criteria provided, single submitter. Criteria: Ambry Variant Classification Scheme 2023. Collection method: clinical testing. Allele origin: germline.
Comment: The p.L172V variant (also known as c.514T>G), located in coding exon 5 of the TSC2 gene, results from a T to G substitution at nucleotide position 514. The leucine at codon 172 is replaced by valine, an amino acid with highly similar properties. This amino acid position is conserved. In addition, the in silico prediction for this alteration is inconclusive. Since supporting evidence is limited at this time, the clinical significance of this alteration remains unclear.